The following is an entry in ClinVar:

ClinVar aggregate classification (germline): Pathogenic (1 of 4 stars; one submission).

Submission:

Quest Diagnostics Nichols Institute San Juan Capistrano
Classification: Pathogenic. Last evaluated: 2021-12-09. Review status: criteria provided, single submitter. Criteria: ACMG/ClinGen CNV Guidelines, 2019. Collection method: clinical testing. Allele origin: unknown.
Comment: This copy number loss involves a number of genes, including ELN (OMIM 130160) and LIMK1 (OMIM 601329), and is expected to cause phenotypic and developmental abnormalities consistent with Williams-Beuren syndrome (OMIM 194050). Typical features include congenital heart defects, mainly supravalvular aortic stenosis, mild to moderate intellectual disability, distinctive facial features, and unique behavioral characteristics. See GeneReviews for additional information and references.

GRCh37/hg19 7q11.23(chr7:72654782-74142190)x1

Genes: ABHD11 (abhydrolase domain containing 11; minus strand), ABHD11-AS1 (ABHD11 antisense RNA 1 (tail to tail); plus strand), BAZ1B (bromodomain adjacent to zinc finger domain 1B; minus strand), BCL7B (BAF chromatin remodeling complex subunit BCL7B; minus strand), BUD23 (BUD23 rRNA methyltransferase and ribosome maturation factor; plus strand) and 22 more. Cytogenetic location: 7q11.23.
Variant type: copy number loss.
Change: copy number 1 (one copy instead of two) of chr7:72,654,782-74,142,190 (1.49 Mb, GRCh37 coordinates, 1-based), cytogenetic band 7q11.23.
Identifiers: ClinVar variation 1807825 (VCV001807825.1).